The following is an entry in ClinVar:

ClinVar aggregate classification (germline): Uncertain significance (1 of 4 stars; one submission).

Conditions:
Adams-Oliver syndrome 5 (AOS5). Identifiers: Orphanet 974, MedGen C4014970, MONDO:0014459, OMIM 616028.

gnomAD v4.1: 16 of 1,610,554 alleles (0.00099%); highest among the groups gnomAD compares: Non-Finnish European, 0.0014%; no homozygotes.

Submission:

Labcorp Genetics (formerly Invitae), Labcorp
Classification: Uncertain significance for Adams-Oliver syndrome 5. Last evaluated: 2018-07-11. Review status: criteria provided, single submitter. Criteria: Invitae Variant Classification Sherloc (09022015). Collection method: clinical testing. Allele origin: germline.
Comment: In summary, the available evidence is currently insufficient to determine the role of this variant in disease. Therefore, it has been classified as a Variant of Uncertain Significance. Algorithms developed to predict the effect of missense changes on protein structure and function (SIFT, PolyPhen-2, Align-GVGD) all suggest that this variant is likely to be tolerated, but these predictions have not been confirmed by published functional studies and their clinical significance is uncertain. This variant has not been reported in the literature in individuals with NOTCH1-related disease. This variant is not present in population databases (ExAC no frequency). This sequence change replaces aspartic acid with glutamic acid at codon 2114 of the NOTCH1 protein (p.Asp2114Glu). The aspartic acid residue is highly conserved and there is a small physicochemical difference between aspartic acid and glutamic acid.

NM_017617.5(NOTCH1):c.6342C>G (p.Asp2114Glu)

Gene: NOTCH1 (notch receptor 1; minus strand). Cytogenetic location: 9q34.3.
Variant type: single nucleotide variant.
Coding change: c.6342C>G on transcript NM_017617.5 (MANE Select); coding-DNA position 6342, C replaced by G.
Protein change: p.Asp2114Glu; replaces aspartic acid 2114 with glutamic acid.
Molecular consequence: missense variant.
Genome position (GRCh38, 1-based): chr9:136,497,397, G>C on the plus strand (C>G on the coding strand, the complement: NOTCH1 is on the minus strand). VCF-style: chr9-136497397-G-C. GRCh37 (hg19) VCF-style: chr9-139391849-G-C.
Other names: c.6342C>G, p.Asp2114Glu (LRG_1122t1); short protein forms D2114E.
Identifiers: ClinVar variation 665388 (VCV000665388.8), dbSNP rs746682300, ClinGen allele CA375631943.